The following is an entry in ClinVar:

NM_000277.3(PAH):c.903G>T (p.Gln301His)

Genes: PAH (phenylalanine hydroxylase; minus strand), LOC126861615 (CDK7 strongly-dependent group 2 enhancer GRCh37_chr12:103244689-103245888; plus strand). Cytogenetic location: 12q23.2.
Variant type: single nucleotide variant.
Coding change: c.903G>T on transcript NM_000277.3 (MANE Select); coding-DNA position 903, G replaced by T.
Protein change: p.Gln301His; replaces glutamine 301 with histidine.
Molecular consequence: missense variant.
Genome position (GRCh38, 1-based): chr12:102,851,696, C>A on the plus strand (G>T on the coding strand, the complement: PAH is on the minus strand). VCF-style: chr12-102851696-C-A. GRCh37 (hg19) VCF-style: chr12-103245474-C-A.
Other names: c.903G>T, p.Gln301His (NM_001354304.2); short protein forms Q301H.
Identifiers: ClinVar variation 805826 (VCV000805826.1), dbSNP rs1592952179, ClinGen allele CA16020890.
Genomic context (GRCh38, chr12:102,851,696, plus strand): 5'-AAATTCAGGTCACAGACCTATAACTAGAAGGCTAAAAAATCCATTCCTTACCTGGGAAAA[C>A]TGGGCAAAGCTGCGATCTGAAAACAAGGGCACATGTCCCAACAGCTCATGGCAGATGTCA-3'
Protein context (NP_000268.1, residues 291-311): VPLFSDRSFA[Gln301His]FSQEIGLASL

ClinVar aggregate classification (germline): Likely pathogenic (3 of 4 stars; one submission).

Conditions:
Phenylketonuria (PKU). Also called: FOLLING DISEASE; Phenylketonuria (PKU); OLIGOPHRENIA PHENYLPYRUVICA; Phenylketonurias. Identifiers: Orphanet 716, MedGen C0031485, MONDO:0009861, OMIM 261600. Disease mechanism: loss of function.

Submission:

ClinGen PAH Variant Curation Expert Panel
Classification: Likely pathogenic for Phenylketonuria. Last evaluated: 2019-08-02. Review status: reviewed by expert panel. Criteria: ClinGen PAH ACMG Specifications v1. Collection method: curation. Allele origin: germline. Inheritance: Autosomal recessive inheritance.
Comment: The c.903G>T (p.Gln301His) variant in PAH has been reported in at least 1 individual with PKU however without indication of the genotype (BH4 deficiency ruled out) (PMID: 21307867) . The p.Gln301His variant is absent in gnomAD and the ESP population databases. A deleterious effect is predicted in SIFT, Polyphen-2, MutationTaster, and REVEL=0.831. This variant is located in the C-terminal aromatic amino acid hydroxylase domain and a different amino acid change at the same codon has been reported (PMID: 19292873 ). Overall, the c.903G>T variant is classified as likely pathogenic. PAH-specific ACMG/AMP criteria applied: PP3, PM2, PP4_M, PM5.